The following is an entry in ClinVar:

ClinVar aggregate classification (germline): Uncertain significance. Review status: criteria provided, multiple submitters, no conflicts (2 of 4 stars). 2 submissions from 2 submitters: Uncertain significance (2). Last evaluated 2025-01-06.

Conditions:
Type 2 diabetes mellitus. Also called: Type II diabetes mellitus. Identifiers: MedGen C0011860, MeSH D003924, MONDO:0005148, OMIM 125853, HP:0005978.
Maturity-onset diabetes of the young type 6 (MODY6). Identifiers: Orphanet 552, MedGen C1853371, MONDO:0011668, OMIM 606394.

Allele frequency attached by ClinVar (database versions not stated): TOPMed 0.00003; gnomAD 0.00004; 1000 Genomes Project 30x 0.00031; 1000 Genomes Project 0.00040.
gnomAD v4.1: 49 of 1,611,808 alleles (0.003%); highest among the groups gnomAD compares: South Asian, 0.041%; no homozygotes.

Submissions (2):

Labcorp Genetics (formerly Invitae), Labcorp
Classification: Uncertain significance. Last evaluated: 2025-01-06. Review status: criteria provided, single submitter. Criteria: Invitae Variant Classification Sherloc (09022015). Collection method: clinical testing. Allele origin: germline.
Comment: This sequence change replaces glutamic acid, which is acidic and polar, with glutamine, which is neutral and polar, at codon 59 of the NEUROD1 protein (p.Glu59Gln). This variant is present in population databases (rs553756272, gnomAD 0.03%). This missense change has been observed in individual(s) with maturity onset diabetes of the young (PMID: 25041077, 28095440). ClinVar contains an entry for this variant (Variation ID: 1503008). Invitae Evidence Modeling of protein sequence and biophysical properties (such as structural, functional, and spatial information, amino acid conservation, physicochemical variation, residue mobility, and thermodynamic stability) indicates that this missense variant is not expected to disrupt NEUROD1 protein function with a negative predictive value of 80%. In summary, the available evidence is currently insufficient to determine the role of this variant in disease. Therefore, it has been classified as a Variant of Uncertain Significance.

Fulgent Genetics
Classification: Uncertain significance for Type 2 diabetes mellitus; Maturity-onset diabetes of the young type 6. Last evaluated: 2022-02-23. Review status: criteria provided, single submitter. Criteria: ACMG Guidelines, 2015. Collection method: clinical testing. Allele origin: unknown.

Literature cited by the submitters: PubMed 25041077 (cited by Labcorp Genetics (formerly Invitae), Labcorp); PubMed 28095440 (cited by Labcorp Genetics (formerly Invitae), Labcorp).

NM_002500.5(NEUROD1):c.175G>C (p.Glu59Gln)

Gene: NEUROD1 (neuronal differentiation 1; minus strand). Cytogenetic location: 2q31.3.
Variant type: single nucleotide variant.
Coding change: c.175G>C on transcript NM_002500.5 (MANE Select); coding-DNA position 175, G replaced by C.
Protein change: p.Glu59Gln; replaces glutamic acid 59 with glutamine.
Molecular consequence: missense variant.
Genome position (GRCh38, 1-based): chr2:181,678,686, C>G on the plus strand (G>C on the coding strand, the complement: NEUROD1 is on the minus strand). VCF-style: chr2-181678686-C-G. GRCh37 (hg19) VCF-style: chr2-182543413-C-G.
Other names: short protein forms E59Q.
Identifiers: ClinVar variation 1503008 (VCV001503008.7), dbSNP rs553756272, ClinGen allele CA2011172.